The following is an entry in ClinVar:

NM_025194.3(ITPKC):c.903C>T (p.Gly301=)

Gene: ITPKC (inositol-trisphosphate 3-kinase C; plus strand). Cytogenetic location: 19q13.2.
Variant type: single nucleotide variant.
Coding change: c.903C>T on transcript NM_025194.3 (MANE Select); coding-DNA position 903, C replaced by T.
Protein change: p.Gly301=; no amino-acid change (glycine 301 retained).
Molecular consequence: synonymous variant.
Genome position (GRCh38, 1-based): chr19:40,718,038, C>T. VCF-style: chr19-40718038-C-T. GRCh37 (hg19) VCF-style: chr19-41223943-C-T.
Other names: c.903C>T, p.Gly301= (NM_001411098.1).
Identifiers: ClinVar variation 4872057 (VCV004872057.2).
Genomic context (GRCh38, chr19:40,718,038, plus strand): 5'-CACTGACGGTTCCCAGACAGCACCTGGGACAGACTGCCTCTTGGGAGAGCCTGAGGATGG[C>T]CCATTAGAGGAACCAGAGCCTGGAGAATTGCTGACTCACCTGTACTCTCACCTGAAGTGT-3'
Protein context (NP_079470.1, residues 291-311): TDCLLGEPED[Gly301=]PLEEPEPGEL

ClinVar aggregate classification (germline): Likely benign (1 of 4 stars; one submission).

gnomAD v4.1: 4,210 of 1,614,104 alleles (0.26%); highest among the groups gnomAD compares: Non-Finnish European, 0.33%; 7 homozygotes.

Submission:

CeGaT Center for Human Genetics Tuebingen
Classification: Likely benign. Last evaluated: 2026-09-01. Review status: criteria provided, single submitter. Criteria: CeGaT Center For Human Genetics Tuebingen Variant Classification Criteria Version 2. Collection method: clinical testing. Allele origin: germline. Affected: yes. Observed: 3 variant alleles.
Comment: ITPKC: BP4, BP7